The following is an entry in ClinVar:

NM_021930.6(RINT1):c.277C>T (p.Leu93Phe)

Gene: RINT1 (RAD50 interactor 1; plus strand). Cytogenetic location: 7q22.3.
Variant type: single nucleotide variant.
Coding change: c.277C>T on transcript NM_021930.6 (MANE Select); coding-DNA position 277, C replaced by T.
Protein change: p.Leu93Phe; replaces leucine 93 with phenylalanine.
Molecular consequence: missense variant. On other transcripts: 5 prime UTR variant (3), non-coding transcript variant (1).
Genome position (GRCh38, 1-based): chr7:105,542,411, C>T. VCF-style: chr7-105542411-C-T. GRCh37 (hg19) VCF-style: chr7-105182858-C-T.
Other names: c.43C>T, p.Leu15Phe (NM_001346599.2); c.-743C>T (NM_001346600.2); c.-646C>T (NM_001346601.2); c.-266C>T (NM_001346603.2); short protein forms L15F, L93F.
Identifiers: ClinVar variation 1795902 (VCV001795902.3), dbSNP rs2485112229, ClinGen allele CA368802713.

ClinVar aggregate classification (germline): Uncertain significance. Review status: criteria provided, multiple submitters, no conflicts (2 of 4 stars). 2 submissions from 2 submitters: Uncertain significance (2). Last evaluated 2025-02-25.

Submissions (2):

Labcorp Genetics (formerly Invitae), Labcorp
Classification: Uncertain significance. Last evaluated: 2025-02-25. Review status: criteria provided, single submitter. Criteria: Invitae Variant Classification Sherloc (09022015). Collection method: clinical testing. Allele origin: germline.
Comment: This sequence change replaces leucine, which is neutral and non-polar, with phenylalanine, which is neutral and non-polar, at codon 93 of the RINT1 protein (p.Leu93Phe). This variant is not present in population databases (gnomAD no frequency). This variant has not been reported in the literature in individuals affected with RINT1-related conditions. ClinVar contains an entry for this variant (Variation ID: 1795902). An algorithm developed to predict the effect of missense changes on protein structure and function (PolyPhen-2) suggests that this variant is likely to be disruptive. In summary, the available evidence is currently insufficient to determine the role of this variant in disease. Therefore, it has been classified as a Variant of Uncertain Significance.

Ambry Genetics
Classification: Uncertain significance. Last evaluated: 2023-02-14. Review status: criteria provided, single submitter. Criteria: Ambry Variant Classification Scheme 2023. Collection method: clinical testing. Allele origin: germline.